The following is an entry in ClinVar:

NM_003868.3(FGF16):c.378G>A (p.Ser126=)

Gene: FGF16 (fibroblast growth factor 16; plus strand). Cytogenetic location: Xq21.1.
Variant type: single nucleotide variant.
Coding change: c.378G>A on transcript NM_003868.3 (MANE Select); coding-DNA position 378, G replaced by A.
Protein change: p.Ser126=; no amino-acid change (serine 126 retained).
Molecular consequence: synonymous variant.
Genome position (GRCh38, 1-based): chrX:77,454,260, G>A. VCF-style: chrX-77454260-G-A. GRCh37 (hg19) VCF-style: chrX-76709751-G-A.
Identifiers: ClinVar variation 3900873 (VCV003900873.1).
Genomic context (GRCh38, chrX:77,454,260, plus strand): 5'-CCGGGGAGTGGACTCTGGCCTGTACCTAGGAATGAATGAGCGAGGAGAACTCTATGGGTC[G>A]GTAAGTTTAAGGTTTTTTTTTTTTTTTTTTTTTTTTTTTTTTGGTCAGAGGTTATTACAA-3'
Protein context (NP_003859.1, residues 116-136): GMNERGELYG[Ser126=]KKLTRECVFR

ClinVar aggregate classification (germline): Uncertain significance (1 of 4 stars; one submission).

Submission:

GeneDx
Classification: Uncertain significance. Last evaluated: 2024-11-27. Review status: criteria provided, single submitter. Criteria: GeneDx Variant Classification Process June 2021. Collection method: clinical testing. Allele origin: germline. Affected: yes.
Comment: Not observed at significant frequency in large population cohorts (gnomAD); In silico analysis supports a deleterious effect on splicing; Has not been previously published as pathogenic or benign to our knowledge